The following is an entry in ClinVar:

NM_032119.4(ADGRV1):c.3589C>T (p.Pro1197Ser)

Gene: ADGRV1 (adhesion G protein-coupled receptor V1; plus strand). Cytogenetic location: 5q14.3.
Variant type: single nucleotide variant.
Coding change: c.3589C>T on transcript NM_032119.4 (MANE Select); coding-DNA position 3589, C replaced by T.
Protein change: p.Pro1197Ser; replaces proline 1197 with serine.
Molecular consequence: missense variant. On other transcripts: non-coding transcript variant (1).
Genome position (GRCh38, 1-based): chr5:90,652,518, C>T. VCF-style: chr5-90652518-C-T. GRCh37 (hg19) VCF-style: chr5-89948335-C-T.
Other names: short protein forms P1197S.
Identifiers: ClinVar variation 2011222 (VCV002011222.4), dbSNP rs2532076193, ClinGen allele CA360397923.
Genomic context (GRCh38, chr5:90,652,518, plus strand): 5'-AACTTCATGGATGGAGAAGAAGCAAAACCAATCATTCTCCATGCTTTTCCAGATAAAATT[C>T]CTGAATTCAATGAATTTTATTTCCTAAAACTTGTAAACATTTCAGGTACTGTGTTTTTCC-3'
Protein context (NP_115495.3, residues 1187-1207): IILHAFPDKI[Pro1197Ser]EFNEFYFLKL

ClinVar aggregate classification (germline): Uncertain significance (1 of 4 stars; one submission).

Submission:

Labcorp Genetics (formerly Invitae), Labcorp
Classification: Uncertain significance. Last evaluated: 2022-06-26. Review status: criteria provided, single submitter. Criteria: Invitae Variant Classification Sherloc (09022015). Collection method: clinical testing. Allele origin: germline.
Comment: This variant has not been reported in the literature in individuals affected with ADGRV1-related conditions. In summary, the available evidence is currently insufficient to determine the role of this variant in disease. Therefore, it has been classified as a Variant of Uncertain Significance. Algorithms developed to predict the effect of missense changes on protein structure and function are either unavailable or do not agree on the potential impact of this missense change (SIFT: "Deleterious"; PolyPhen-2: "Possibly Damaging"; Align-GVGD: "Class C0"). This variant is not present in population databases (gnomAD no frequency). This sequence change replaces proline, which is neutral and non-polar, with serine, which is neutral and polar, at codon 1197 of the ADGRV1 protein (p.Pro1197Ser).